The following is an entry in ClinVar:

NM_001354930.2(RIPK1):c.1655C>T (p.Thr552Met)

Gene: RIPK1 (receptor interacting serine/threonine kinase 1; plus strand). Cytogenetic location: 6p25.2.
Variant type: single nucleotide variant.
Coding change: c.1655C>T on transcript NM_001354930.2 (MANE Select); coding-DNA position 1655, C replaced by T.
Protein change: p.Thr552Met; replaces threonine 552 with methionine.
Molecular consequence: missense variant.
Genome position (GRCh38, 1-based): chr6:3,110,881, C>T. VCF-style: chr6-3110881-C-T. GRCh37 (hg19) VCF-style: chr6-3111115-C-T.
Other names: c.1166C>T, p.Thr389Met (NM_001317061.3, NM_001354932.2, NM_001354933.2 and 1 more transcripts); c.1517C>T, p.Thr506Met (NM_001354931.2); c.1655C>T, p.Thr552Met (NM_003804.6); short protein forms T506M, T552M, T389M.
Identifiers: ClinVar variation 2142906 (VCV002142906.29), dbSNP rs757113067, ClinGen allele CA3618481.

ClinVar aggregate classification (germline): Conflicting classifications of pathogenicity. Review status: criteria provided, conflicting classifications (1 of 4 stars). 3 submissions from 3 submitters: Uncertain significance (2); Likely benign (1). Last evaluated 2025-10-01.

Allele frequency attached by ClinVar (database versions not stated): ExAC 0.00002; gnomAD exomes 0.00002; gnomAD 0.00004.

Submissions (3):

Labcorp Genetics (formerly Invitae), Labcorp
Classification: Uncertain significance. Last evaluated: 2025-10-01. Review status: criteria provided, single submitter. Criteria: Invitae Variant Classification Sherloc (09022015). Collection method: clinical testing. Allele origin: germline.
Comment: This sequence change replaces threonine, which is neutral and polar, with methionine, which is neutral and non-polar, at codon 552 of the RIPK1 protein (p.Thr552Met). This variant is present in population databases (rs757113067, gnomAD 0.003%). This variant has not been reported in the literature in individuals affected with RIPK1-related conditions. ClinVar contains an entry for this variant (Variation ID: 2142906). An algorithm developed to predict the effect of missense changes on protein structure and function outputs the following: PolyPhen-2: "Benign". The methionine amino acid residue is found in multiple mammalian species, which suggests that this missense change does not adversely affect protein function. In summary, the available evidence is currently insufficient to determine the role of this variant in disease. Therefore, it has been classified as a Variant of Uncertain Significance.

Blueprint Genetics
Classification: Likely benign. Last evaluated: 2023-07-20. Review status: criteria provided, single submitter. Criteria: ACMG Guidelines, 2015. Collection method: clinical testing. Allele origin: germline.

CeGaT Center for Human Genetics Tuebingen
Classification: Uncertain significance. Last evaluated: 2022-08-01. Review status: criteria provided, single submitter. Criteria: CeGaT Center For Human Genetics Tuebingen Variant Classification Criteria Version 2. Collection method: clinical testing. Allele origin: germline. Affected: yes. Observed: 1 variant allele.
Comment: RIPK1: PM2:Supporting, BP4